The following is an entry in ClinVar:

ClinVar aggregate classification (germline): Pathogenic/Likely pathogenic. Review status: criteria provided, multiple submitters, no conflicts (2 of 4 stars). 3 submissions from 3 submitters: Pathogenic (1); Likely pathogenic (1). 1 of the submissions does not count toward it. Last evaluated 2026-07-01.

Conditions:
Intellectual disability-facial dysmorphism syndrome due to SETD5 haploinsufficiency (MRD23). Also called: Intellectual developmental disorder, autosomal dominant 23. Identifiers: Orphanet 404440, MedGen C3810406, MONDO:0014336, OMIM 615761.
Inborn genetic diseases. Identifiers: MedGen C0950123, MeSH D030342.

Submissions (3):

Genetics Institute, Tel Aviv Sourasky Medical Center
Classification: Likely pathogenic for Intellectual disability-facial dysmorphism syndrome due to SETD5 haploinsufficiency. Last evaluated: 2026-07-01. Review status: criteria provided, single submitter. Criteria: ACMG Guidelines, 2015. Collection method: research. Allele origin: germline. Affected: yes.
Comment: The variant affects a highly conserved amino acid (GERP 5.49) in the protein's functional domain (SET domain). The variant was not observed in public databases (gnomAD MAF = 0), and it is predicted deleterious (REVEL 0.88, AlphaMissense 1.0). The variant was classified as likely pathogenic according to ACMG criteria (PS2_moderate, PM2_supporting, PP3_moderate, PM1).

Ambry Genetics
Classification: Pathogenic for Inborn genetic diseases. Last evaluated: 2026-04-27. Review status: criteria provided, single submitter. Criteria: Ambry Variant Classification Scheme 2023. Collection method: clinical testing. Allele origin: germline.
Comment: The c.1031G>A (p.G344D) alteration is located in exon 10 (coding exon 8) of the SETD5 gene. This alteration results from a G to A substitution at nucleotide position 1031, causing the glycine (G) at amino acid position 344 to be replaced by an aspartic acid (D). This variant was not reported in population-based cohorts in the Genome Aggregation Database (gnomAD). This variant was determined to be de novo in at least one individual with features consistent with SETD5-related neurodevelopmental disorder (Deciphering Developmental Disorders, 2017; Pinard, 2020). This amino acid position is highly conserved in available vertebrate species. This missense variant is located in a region that has a low rate of benign missense variation (Lek, 2016; Firth, 2009). This alteration is predicted to be deleterious by in silico analysis. Based on the available evidence, this alteration is classified as pathogenic.

Bioscientia Institut fuer Medizinische Diagnostik GmbH, Sonic Healthcare
Classification: Uncertain significance for Intellectual disability-facial dysmorphism syndrome due to SETD5 haploinsufficiency. Last evaluated: 2020-06-17. Review status: no assertion criteria provided. Collection method: clinical testing. Allele origin: germline. Affected: yes. Not counted in ClinVar's aggregate classification.

Literature cited by the submitters: PubMed 28135719 (cited by Ambry Genetics); PubMed 31474762 (cited by Ambry Genetics).

NM_001080517.3(SETD5):c.1031G>A (p.Gly344Asp)

Gene: SETD5 (SET domain containing 5; plus strand). Cytogenetic location: 3p25.3.
Variant type: single nucleotide variant.
Coding change: c.1031G>A on transcript NM_001080517.3 (MANE Select); coding-DNA position 1031, G replaced by A.
Protein change: p.Gly344Asp; replaces glycine 344 with aspartic acid.
Molecular consequence: missense variant.
Genome position (GRCh38, 1-based): chr3:9,442,199, G>A. VCF-style: chr3-9442199-G-A. GRCh37 (hg19) VCF-style: chr3-9483883-G-A.
Other names: c.737G>A, p.Gly246Asp (NM_001292043.2, NM_001349451.2); c.1031G>A (NM_001080517.1); short protein forms G246D, G344D.
Identifiers: ClinVar variation 992376 (VCV000992376.4), dbSNP rs1268639896, ClinGen allele CA351689496.
Genomic context (GRCh38, chr3:9,442,199, plus strand): 5'-TTGTGCTCTTCTACTCAAAATTCAATGGTGTAGAGATGTGTGTGGATGCCCGTACTTTCG[G>A]TAATGATGCTCGGTTCATCAGAAGATCATGTACACCAAATGCAGAGGTAAGATATCTGTA-3'
Protein context (NP_001073986.1, residues 334-354): VEMCVDARTF[Gly344Asp]NDARFIRRSC